The following is an entry in ClinVar:

NM_018677.4(ACSS2):c.1758A>G (p.Ser586=)

Gene: ACSS2 (acyl-CoA synthetase short chain family member 2; plus strand). Cytogenetic location: 20q11.22.
Variant type: single nucleotide variant.
Coding change: c.1758A>G on transcript NM_018677.4 (MANE Select); coding-DNA position 1758, A replaced by G.
Protein change: p.Ser586=; no amino-acid change (serine 586 retained).
Molecular consequence: synonymous variant.
Genome position (GRCh38, 1-based): chr20:34,926,136, A>G. VCF-style: chr20-34926136-A-G. GRCh37 (hg19) VCF-style: chr20-33513939-A-G.
Other names: c.1797A>G, p.Ser599= (NM_001076552.3); c.1473A>G, p.Ser491= (NM_001242393.2).
Identifiers: ClinVar variation 738865 (VCV000738865.5), dbSNP rs142513718, ClinGen allele CA9825697.
Genomic context (GRCh38, chr20:34,926,136, plus strand): 5'-TCTCATGGCACTTCCTTTCCCTTGACAAGGACACCTGCTGAGTACAGCAGAGGTGGAGTC[A>G]GCACTTGTGGAACATGAGGCTGTTGCAGAGGCAGCTGTGGTGGGCCACCCTCATCCTGTG-3'
Protein context (NP_061147.1, residues 576-596): GHLLSTAEVE[Ser586=]ALVEHEAVAE

ClinVar aggregate classification (germline): Benign. Review status: criteria provided, single submitter (1 of 4 stars). 2 submissions from 2 submitters: Benign (1). 1 of the submissions does not count toward it. Last evaluated 2018-04-04.

Conditions:
ACSS2-related disorder. Also called: ACSS2-related condition.

Allele frequency attached by ClinVar (database versions not stated): gnomAD exomes 0.00008 and 0.00017; ExAC 0.00021; 1000 Genomes Project 0.00040; 1000 Genomes Project 30x 0.00047; gnomAD 0.00059 and 0.00068; TOPMed 0.00062; ESP Exome Variant Server 0.00069.
gnomAD v4.1: 211 of 1,614,234 alleles (0.013%); highest among the groups gnomAD compares: African/African-American, 0.2%; no homozygotes.

Submissions (2):

Labcorp Genetics (formerly Invitae), Labcorp
Classification: Benign. Last evaluated: 2018-04-04. Review status: criteria provided, single submitter. Criteria: Invitae Variant Classification Sherloc (09022015). Collection method: clinical testing. Allele origin: germline.

PreventionGenetics, part of Exact Sciences
Classification: Likely benign for ACSS2-related condition. Last evaluated: 2019-06-03. Review status: no assertion criteria provided. Collection method: clinical testing. Allele origin: germline. Not counted in ClinVar's aggregate classification.
Comment: This variant is classified as likely benign based on ACMG/AMP sequence variant interpretation guidelines (Richards et al. 2015 PMID: 25741868, with internal and published modifications).